The following is an entry in ClinVar:

NM_001276270.2(MBD4):c.925C>G (p.Leu309Val)

Gene: MBD4 (methyl-CpG binding domain 4, DNA glycosylase; minus strand). Cytogenetic location: 3q21.3.
Variant type: single nucleotide variant.
Coding change: c.925C>G on transcript NM_001276270.2 (MANE Select); coding-DNA position 925, C replaced by G.
Protein change: p.Leu309Val; replaces leucine 309 with valine.
Molecular consequence: missense variant. On other transcripts: intron variant (1).
Genome position (GRCh38, 1-based): chr3:129,436,719, G>C on the plus strand (C>G on the coding strand, the complement: MBD4 is on the minus strand). VCF-style: chr3-129436719-G-C. GRCh37 (hg19) VCF-style: chr3-129155562-G-C.
Other names: c.925C>G, p.Leu309Val (NM_001276271.2, NM_001276272.2, NM_003925.3); c.247+1089C>G (NM_001276273.2); short protein forms L309V.
Identifiers: ClinVar variation 3870877 (VCV003870877.2).

ClinVar aggregate classification (germline): Uncertain significance. Review status: criteria provided, multiple submitters, no conflicts (2 of 4 stars). 2 submissions from 2 submitters: Uncertain significance (2). Last evaluated 2025-09-10.

Conditions:
O'Donnell-Luria-Rodan syndrome (ODLURO). Also called: KMT2E-Related Neurodevelopmental Disorder. Identifiers: MedGen C5193138, MONDO:0032793, OMIM 618512.
Inborn genetic diseases. Identifiers: MedGen C0950123, MeSH D030342.

Submissions (2):

Genomic Medicine Center of Excellence, King Faisal Specialist Hospital and Research Centre
Classification: Uncertain significance for O'Donnell-Luria-Rodan syndrome. Last evaluated: 2025-09-10. Review status: criteria provided, single submitter. Criteria: ACMG Guidelines, 2015. Collection method: clinical testing. Allele origin: germline.

Ambry Genetics
Classification: Uncertain significance for Inborn genetic diseases. Last evaluated: 2024-12-27. Review status: criteria provided, single submitter. Criteria: Ambry Variant Classification Scheme 2023. Collection method: clinical testing. Allele origin: germline.
Comment: The p.L309V variant (also known as c.925C>G), located in coding exon 3 of the MBD4 gene, results from a C to G substitution at nucleotide position 925. The leucine at codon 309 is replaced by valine, an amino acid with highly similar properties. This amino acid position is conserved. In addition, this alteration is predicted to be tolerated by in silico analysis. Based on the available evidence, the clinical significance of this variant remains unclear.